The following is an entry in ClinVar:

NM_032608.7(MYO18B):c.424_425del (p.Val142fs)

Gene: MYO18B (myosin XVIIIB; plus strand). Cytogenetic location: 22q12.1.
Variant type: Deletion.
Coding change: c.424_425del on transcript NM_032608.7 (MANE Select); coding-DNA positions 424 to 425, 2 bases deleted (GT; older notation c.424_425delGT).
Protein change: p.Val142fs; shifts the reading frame from valine 142.
Molecular consequence: frameshift variant.
Genome position (GRCh38, 1-based): chr22:25,768,340-25,768,341, GT deleted; deleting any 2 consecutive bases within chr22:25,768,339-25,768,341 gives the same sequence; the c. name uses the placement nearest the transcript's 3' end. VCF-style (leftmost placement, unchanged base first): chr22-25768338-CTG-C. GRCh37 (hg19) VCF-style: chr22-26164305-CTG-C.
Other names: c.424_425del, p.Val142fs (NM_001318245.2); short protein forms V142fs.
Identifiers: ClinVar variation 1974970 (VCV001974970.5), dbSNP rs2086580997, ClinGen allele CA2398885076.

ClinVar aggregate classification (germline): Pathogenic (1 of 4 stars; one submission).

Submission:

Labcorp Genetics (formerly Invitae), Labcorp
Classification: Pathogenic. Last evaluated: 2024-03-28. Review status: criteria provided, single submitter. Criteria: Invitae Variant Classification Sherloc (09022015). Collection method: clinical testing. Allele origin: germline.
Comment: This sequence change creates a premature translational stop signal (p.Val142Profs*10) in the MYO18B gene. It is expected to result in an absent or disrupted protein product. Loss-of-function variants in MYO18B are known to be pathogenic (PMID: 25748484, 32184166, 32637634). This variant is not present in population databases (gnomAD no frequency). This variant has not been reported in the literature in individuals affected with MYO18B-related conditions. ClinVar contains an entry for this variant (Variation ID: 1974970). For these reasons, this variant has been classified as Pathogenic.

Literature cited by the submitters: PubMed 25748484; PubMed 32184166; PubMed 32637634.